The following is an entry in ClinVar:

ClinVar aggregate classification (germline): Conflicting classifications of pathogenicity. Review status: criteria provided, conflicting classifications (1 of 4 stars). 3 submissions from 3 submitters: Uncertain significance (2); Likely benign (1). Last evaluated 2025-10-23.

Conditions:
Adams-Oliver syndrome 5 (AOS5). Identifiers: Orphanet 974, MedGen C4014970, MONDO:0014459, OMIM 616028.
Familial thoracic aortic aneurysm and aortic dissection (TAAD). Also called: Thoracic aortic aneurysms and dissections. Identifiers: Orphanet 91387, MedGen C4707243, MONDO:0019625.

Allele frequency attached by ClinVar (database versions not stated): TOPMed 0.00004; gnomAD 0.00005; gnomAD exomes 0.00007; ESP Exome Variant Server 0.00009; ExAC 0.00013.
gnomAD v4.1: 56 of 1,590,810 alleles (0.0035%); highest among the groups gnomAD compares: Admixed American, 0.01%; no homozygotes.

Submissions (3):

Labcorp Genetics (formerly Invitae), Labcorp
Classification: Likely benign for Adams-Oliver syndrome 5. Last evaluated: 2025-10-23. Review status: criteria provided, single submitter. Criteria: Invitae Variant Classification Sherloc (09022015). Collection method: clinical testing. Allele origin: germline.

Ambry Genetics
Classification: Uncertain significance for Familial thoracic aortic aneurysm and aortic dissection. Last evaluated: 2025-06-09. Review status: criteria provided, single submitter. Criteria: Ambry Variant Classification Scheme 2023. Collection method: clinical testing. Allele origin: germline.
Comment: The p.A1343T variant (also known as c.4027G>A), located in coding exon 25 of the NOTCH1 gene, results from a G to A substitution at nucleotide position 4027. The alanine at codon 1343 is replaced by threonine, an amino acid with similar properties. This amino acid position is conserved. In addition, this alteration is predicted to be tolerated by in silico analysis. Since supporting evidence is limited at this time, the clinical significance of this alteration remains unclear.

GeneDx
Classification: Uncertain significance. Last evaluated: 2020-01-17. Review status: criteria provided, single submitter. Criteria: GeneDx Variant Classification Process June 2021. Collection method: clinical testing. Allele origin: germline. Affected: yes.
Comment: Has not been previously published as pathogenic or benign to our knowledge; In silico analysis, which includes protein predictors and evolutionary conservation, supports that this variant does not alter protein structure/function; Reported in ClinVar but additional evidence is not available (ClinVar Variant ID# 477925; Landrum et al., 2016)

NM_017617.5(NOTCH1):c.4027G>A (p.Ala1343Thr)

Gene: NOTCH1 (notch receptor 1; minus strand). Cytogenetic location: 9q34.3.
Variant type: single nucleotide variant.
Coding change: c.4027G>A on transcript NM_017617.5 (MANE Select); coding-DNA position 4027, G replaced by A.
Protein change: p.Ala1343Thr; replaces alanine 1343 with threonine.
Molecular consequence: missense variant.
Genome position (GRCh38, 1-based): chr9:136,505,869, C>T on the plus strand (G>A on the coding strand, the complement: NOTCH1 is on the minus strand). VCF-style: chr9-136505869-C-T. GRCh37 (hg19) VCF-style: chr9-139400321-C-T.
Other names: c.4027G>A, p.Ala1343Thr (LRG_1122t1); short protein forms A1343T.
Identifiers: ClinVar variation 477925 (VCV000477925.13), dbSNP rs369654090, ClinGen allele CA5340705.